The following is an entry in ClinVar:

ClinVar aggregate classification (germline): Pathogenic/Likely pathogenic. Review status: criteria provided, multiple submitters, no conflicts (2 of 4 stars). 3 submissions from 3 submitters: Pathogenic (1); Likely pathogenic (2). Last evaluated 2025-10-31.

Conditions:
TRIM32-related disorder. Also called: TRIM32-related condition.
Bardet-Biedl syndrome (BBS). Identifiers: Orphanet 110, MedGen C0752166, MONDO:0015229.
Sarcotubular myopathy (LGMDR8). Also called: Limb-girdle muscular dystrophy, type 2H; Hutterite type of muscular dystrophy; MUSCULAR DYSTROPHY, LIMB-GIRDLE, AUTOSOMAL RECESSIVE 8; Autosomal recessive limb-girdle muscular dystrophy type 2H. Identifiers: Orphanet 1878, MedGen C0270968, MONDO:0009683, OMIM 254110.
Bardet-Biedl syndrome 11 (BBS11). Identifiers: Orphanet 110, MedGen C1859569, MONDO:0014439, OMIM 615988.

Submissions (3):

PreventionGenetics, part of Exact Sciences
Classification: Likely pathogenic for TRIM32-related condition. Last evaluated: 2025-10-31. Review status: criteria provided, single submitter. Criteria: ACMG Guidelines, 2015. Collection method: clinical testing. Allele origin: germline.
Comment: The TRIM32 c.606_607delTC variant is predicted to result in a frameshift and premature protein termination (p.Arg203Glufs*9). To our knowledge, this variant has not been reported in the literature or in a large population database (gnomAD), indicating this variant is rare. Frameshift variants in TRIM32 are expected to be pathogenic. This variant is interpreted as likely pathogenic.

Labcorp Genetics (formerly Invitae), Labcorp
Classification: Pathogenic for Bardet-Biedl syndrome. Last evaluated: 2025-07-13. Review status: criteria provided, single submitter. Criteria: Invitae Variant Classification Sherloc (09022015). Collection method: clinical testing. Allele origin: germline.
Comment: This sequence change creates a premature translational stop signal (p.Arg203Glufs*9) in the TRIM32 gene. While this is not anticipated to result in nonsense mediated decay, it is expected to disrupt the last 451 amino acid(s) of the TRIM32 protein. This variant is not present in population databases (gnomAD no frequency). This variant has not been reported in the literature in individuals affected with TRIM32-related conditions. This variant disrupts a region of the TRIM32 protein in which other variant(s) (p.Val591Met) have been determined to be pathogenic (PMID: 30823891). This suggests that this is a clinically significant region of the protein, and that variants that disrupt it are likely to be disease-causing. For these reasons, this variant has been classified as Pathogenic.

Fulgent Genetics
Classification: Likely pathogenic for Sarcotubular myopathy; Bardet-Biedl syndrome 11. Last evaluated: 2024-06-21. Review status: criteria provided, single submitter. Criteria: ACMG Guidelines, 2015. Collection method: clinical testing. Allele origin: germline.

Literature cited by the submitters: PubMed 30823891 (cited by Labcorp Genetics (formerly Invitae), Labcorp).

NM_012210.4(TRIM32):c.606_607del (p.Arg203fs)

Genes: ASTN2 (astrotactin 2; minus strand), TRIM32 (tripartite motif containing 32; plus strand). Cytogenetic location: 9q33.1.
Variant type: Microsatellite.
Coding change: c.606_607del on transcript NM_012210.4 (MANE Select); coding-DNA positions 606 to 607, 2 bases deleted (TC; older notation c.606_607delTC).
Protein change: p.Arg203fs; shifts the reading frame from arginine 203.
Molecular consequence: frameshift variant. On other transcripts: intron variant (3).
Genome position (GRCh38, 1-based): chr9:116,698,348-116,698,349, TC deleted; deleting any 2 consecutive bases within chr9:116,698,345-116,698,349 gives the same sequence; the c. name uses the placement nearest the transcript's 3' end. VCF-style (leftmost placement, unchanged base first): chr9-116698344-GCT-G. GRCh37 (hg19) VCF-style: chr9-119460623-GCT-G.
Other names: c.606_607del, p.Arg203fs (NM_001099679.2, NM_001379048.1, NM_001379049.1 and 1 more transcripts); c.2653+27425_2653+27426del (NM_014010.5); c.2794+27425_2794+27426del (NM_001365069.1); c.2806+27425_2806+27426del (NM_001365068.1); c.606_607delTC (NM_012210.3); short protein forms R203fs.
Identifiers: ClinVar variation 1451474 (VCV001451474.8), dbSNP rs2132072315, ClinGen allele CA2580616293.